The following is an entry in ClinVar:

ClinVar aggregate classification (germline): Pathogenic (1 of 4 stars; one submission).

Conditions:
Hereditary pheochromocytoma and paraganglioma. Also called: Hereditary paragangliomas and pheochromocytomas; Hereditary pheochromocytoma-paraganglioma; Hereditary Paraganglioma-Pheochromocytoma Syndromes. Identifiers: Orphanet 29072, MedGen C4274332, MONDO:0017366.

Submission:

Labcorp Genetics (formerly Invitae), Labcorp
Classification: Pathogenic for Hereditary pheochromocytoma and paraganglioma. Last evaluated: 2023-10-30. Review status: criteria provided, single submitter. Criteria: Invitae Variant Classification Sherloc (09022015). Collection method: clinical testing. Allele origin: germline.
Comment: This variant is a gross deletion of the genomic region encompassing exon(s) 2-4 of the SDHAF2 gene, which includes the termination codon. This deletion extends beyond the assayed region for this gene and therefore may encompass additional genes. While this deletion is not anticipated to lead to nonsense mediated decay, it is expected to alter mRNA translation or result in a truncated protein product. This variant has not been reported in the literature in individuals affected with SDHAF2-related conditions. This variant disrupts a region of the SDHAF2 protein in which other variant(s) (p.Gly78Arg) have been determined to be pathogenic (PMID: 6264239, 6286462, 19628817, 21224366, 24414418). This suggests that this is a clinically significant region of the protein, and that variants that disrupt it are likely to be disease-causing. For these reasons, this variant has been classified as Pathogenic.

Literature cited by the submitters: PubMed 6264239; PubMed 6286462; PubMed 19628817; PubMed 21224366; PubMed 24414418.

NC_000011.9:g.(?_61205087)_(61213543_?)del

Gene: SDHAF2 (succinate dehydrogenase complex assembly factor 2; plus strand). Cytogenetic location: 11q12.2.
Variant type: Deletion.
Identifiers: ClinVar variation 1067840 (VCV001067840.8).